The following is an entry in ClinVar:

ClinVar aggregate classification (germline): Uncertain significance (1 of 4 stars; one submission).

Conditions:
Combined immunodeficiency due to DOCK8 deficiency (HIES2). Also called: Hyper-IgE recurrent infection syndrome, autosomal recessive; HIES autosomal recessive; HYPER-IgE SYNDROME 2, AUTOSOMAL RECESSIVE, WITH RECURRENT INFECTIONS; HYPER-IgE RECURRENT INFECTION SYNDROME 2, AUTOSOMAL RECESSIVE; DOCK8 Deficiency. Identifiers: Orphanet 217390, MedGen C4722305, MONDO:0009478, OMIM 243700.

Submission:

Labcorp Genetics (formerly Invitae), Labcorp
Classification: Uncertain significance for Combined immunodeficiency due to DOCK8 deficiency. Last evaluated: 2023-11-27. Review status: criteria provided, single submitter. Criteria: Invitae Variant Classification Sherloc (09022015). Collection method: clinical testing. Allele origin: germline.
Comment: This sequence change replaces glutamic acid, which is acidic and polar, with glutamine, which is neutral and polar, at codon 1902 of the DOCK8 protein (p.Glu1902Gln). This variant is not present in population databases (gnomAD no frequency). This variant has not been reported in the literature in individuals affected with DOCK8-related conditions. ClinVar contains an entry for this variant (Variation ID: 2010289). Advanced modeling of protein sequence and biophysical properties (such as structural, functional, and spatial information, amino acid conservation, physicochemical variation, residue mobility, and thermodynamic stability) performed at Invitae indicates that this missense variant is not expected to disrupt DOCK8 protein function with a negative predictive value of 80%. Algorithms developed to predict the effect of sequence changes on RNA splicing suggest that this variant may create or strengthen a splice site. In summary, the available evidence is currently insufficient to determine the role of this variant in disease. Therefore, it has been classified as a Variant of Uncertain Significance.

NM_203447.4(DOCK8):c.5704G>C (p.Glu1902Gln)

Gene: DOCK8 (dedicator of cytokinesis 8; plus strand). Cytogenetic location: 9p24.3.
Variant type: single nucleotide variant.
Coding change: c.5704G>C on transcript NM_203447.4 (MANE Select); coding-DNA position 5704, G replaced by C.
Protein change: p.Glu1902Gln; replaces glutamic acid 1902 with glutamine.
Molecular consequence: missense variant.
Genome position (GRCh38, 1-based): chr9:446,493, G>C. VCF-style: chr9-446493-G-C. GRCh37 (hg19) VCF-style: chr9-446493-G-C.
Other names: c.5404G>C, p.Glu1802Gln (NM_001190458.2); c.5500G>C, p.Glu1834Gln (NM_001193536.2); short protein forms E1802Q, E1834Q, E1902Q.
Identifiers: ClinVar variation 2010289 (VCV002010289.4), dbSNP rs2057264708, ClinGen allele CA372769038.
Genomic context (GRCh38, chr9:446,493, plus strand): 5'-ACATACTTTGAGAAGAATTTCAACCTCCGGAGGTTCATGTACACCACCCCGTTCACCCTG[G>C]AGGGGCGGCCTCGGGGAGAGCTGCATGAGCAGTACAGAAGGAACACAGTCCTGACCACTA-3'
Protein context (NP_982272.2, residues 1892-1912): RFMYTTPFTL[Glu1902Gln]GRPRGELHEQ